The following is an entry in ClinVar:

NM_182972.3(IRF2BP2):c.1612A>C (p.Ile538Leu)

Gene: IRF2BP2 (interferon regulatory factor 2 binding protein 2; minus strand). Cytogenetic location: 1q42.3.
Variant type: single nucleotide variant.
Coding change: c.1612A>C on transcript NM_182972.3 (MANE Select); coding-DNA position 1612, A replaced by C.
Protein change: p.Ile538Leu; replaces isoleucine 538 with leucine.
Molecular consequence: missense variant.
Genome position (GRCh38, 1-based): chr1:234,607,289, T>G on the plus strand (A>C on the coding strand, the complement: IRF2BP2 is on the minus strand). VCF-style: chr1-234607289-T-G. GRCh37 (hg19) VCF-style: chr1-234743035-T-G.
Other names: c.1564A>C, p.Ile522Leu (NM_001077397.1); short protein forms I522L, I538L.
Identifiers: ClinVar variation 3654009 (VCV003654009.2).
Genomic context (GRCh38, chr1:234,607,289, plus strand): 5'-CAAGAGGGCATTTTTCCCCACTGGGACAATAGACCTCTCCACTAGCTCCCTGCTGTTTGA[T>G]GCTTTGTCTGGAGCAAGGGAAGCAGAACTTGTGCGAAGGGACGGACGGGCACTGCACAAA-3'
Protein context (NP_892017.2, residues 528-548): KFCFPCSRQS[Ile538Leu]KQQGASGEVY

ClinVar aggregate classification (germline): Uncertain significance (1 of 4 stars; one submission).

Submission:

Labcorp Genetics (formerly Invitae), Labcorp
Classification: Uncertain significance. Last evaluated: 2025-12-20. Review status: criteria provided, single submitter. Criteria: Invitae Variant Classification Sherloc (09022015). Collection method: clinical testing. Allele origin: germline.
Comment: This sequence change replaces isoleucine, which is neutral and non-polar, with leucine, which is neutral and non-polar, at codon 538 of the IRF2BP2 protein (p.Ile538Leu). This variant is not present in population databases (gnomAD no frequency). This variant has not been reported in the literature in individuals affected with IRF2BP2-related conditions. ClinVar contains an entry for this variant (Variation ID: 3654009). An algorithm developed to predict the effect of missense changes on protein structure and function (PolyPhen-2) suggests that this variant is likely to be disruptive. In summary, the available evidence is currently insufficient to determine the role of this variant in disease. Therefore, it has been classified as a Variant of Uncertain Significance.